The following is an entry in ClinVar:

ClinVar aggregate classification (germline): Conflicting classifications of pathogenicity. Review status: criteria provided, conflicting classifications (1 of 4 stars). 6 submissions from 6 submitters: Uncertain significance (5); Likely benign (1). Last evaluated 2026-04-30.

Conditions:
Hereditary cancer-predisposing syndrome. Also called: Tumor predisposition; Hereditary Cancer Syndrome; Hereditary neoplastic syndrome; Neoplastic Syndromes, Hereditary. Identifiers: Orphanet 140162, MedGen C0027672, MeSH D009386, MONDO:0015356.
Hereditary diffuse gastric adenocarcinoma (HDGC). Also called: DIFFUSE GASTRIC AND LOBULAR BREAST CANCER SYNDROME. Identifiers: Orphanet 26106, MedGen C1708349, MONDO:0007648, OMIM 137215.
Familial cancer of breast. Also called: Hereditary breast cancer; hereditary breast carcinoma; BREAST CANCER, FAMILIAL. Identifiers: Orphanet 227535, MedGen C0346153, MONDO:0016419, OMIM 114480. Disease mechanism: loss of function.

Allele frequency attached by ClinVar (database versions not stated): gnomAD 0.00001; ExAC 0.00001; gnomAD exomes below 0.00001; TOPMed 0.00001.
gnomAD v4.1: 6 of 1,613,890 alleles (0.00037%); highest among the groups gnomAD compares: Admixed American, 0.0033%; no homozygotes.

Submissions (6):

Ambry Genetics
Classification: Likely benign for Hereditary cancer-predisposing syndrome. Last evaluated: 2026-04-30. Review status: criteria provided, single submitter. Criteria: Ambry Variant Classification Scheme 2023. Collection method: clinical testing. Allele origin: germline.

Labcorp Genetics (formerly Invitae), Labcorp
Classification: Uncertain significance for Hereditary diffuse gastric adenocarcinoma. Last evaluated: 2025-12-28. Review status: criteria provided, single submitter. Criteria: Invitae Variant Classification Sherloc (09022015). Collection method: clinical testing. Allele origin: germline.
Comment: This sequence change replaces proline, which is neutral and non-polar, with histidine, which is basic and polar, at codon 740 of the CDH1 protein (p.Pro740His). This variant is present in population databases (rs730881669, gnomAD 0.003%). This variant has not been reported in the literature in individuals affected with CDH1-related conditions. ClinVar contains an entry for this variant (Variation ID: 182403). An algorithm developed to predict the effect of missense changes on protein structure and function (PolyPhen-2) suggests that this variant is likely to be disruptive. In summary, the available evidence is currently insufficient to determine the role of this variant in disease. Therefore, it has been classified as a Variant of Uncertain Significance.

Baylor Genetics
Classification: Uncertain significance for Familial cancer of breast. Last evaluated: 2024-03-13. Review status: criteria provided, single submitter. Criteria: ACMG Guidelines, 2015. Collection method: clinical testing. Allele origin: unknown.

GeneDx
Classification: Uncertain significance. Last evaluated: 2023-10-18. Review status: criteria provided, single submitter. Criteria: GeneDx Variant Classification Process June 2021. Collection method: clinical testing. Allele origin: germline. Affected: yes.
Comment: Not observed at significant frequency in large population cohorts (gnomAD); In silico analysis supports that this missense variant has a deleterious effect on protein structure/function; Has not been previously published as pathogenic or benign to our knowledge; This variant is associated with the following publications: (PMID: 15235021, 22850631)

Color Diagnostics, LLC DBA Color Health
Classification: Uncertain significance for Hereditary cancer-predisposing syndrome. Last evaluated: 2021-02-16. Review status: criteria provided, single submitter. Criteria: ACMG Guidelines, 2015. Collection method: clinical testing. Allele origin: germline.
Comment: This missense variant replaces proline with histidine at codon 740 of the CDH1 protein. To our knowledge, functional studies have not been reported for this variant. This variant has not been reported in individuals affected with hereditary cancer in the literature. This variant has been identified in 1/251476 chromosomes in the general population by the Genome Aggregation Database (gnomAD). The available evidence is insufficient to determine the role of this variant in disease conclusively. Therefore, this variant is classified as a Variant of Uncertain Significance.

Illumina Laboratory Services, Illumina
Classification: Uncertain significance for Hereditary diffuse gastric adenocarcinoma. Last evaluated: 2018-01-12. Review status: criteria provided, single submitter. Criteria: ICSL Variant Classification Criteria 13 December 2019. Collection method: clinical testing. Allele origin: germline.

NM_004360.5(CDH1):c.2219C>A (p.Pro740His)

Gene: CDH1 (cadherin 1; plus strand). Cytogenetic location: 16q22.1.
Variant type: single nucleotide variant.
Coding change: c.2219C>A on transcript NM_004360.5 (MANE Select); coding-DNA position 2219, C replaced by A.
Protein change: p.Pro740His; replaces proline 740 with histidine.
Molecular consequence: missense variant.
Genome position (GRCh38, 1-based): chr16:68,828,228, C>A. VCF-style: chr16-68828228-C-A. GRCh37 (hg19) VCF-style: chr16-68862131-C-A.
Other names: p.P740H:CCC>CAC; c.2036C>A, p.Pro679His (NM_001317184.2); c.671C>A, p.Pro224His (NM_001317185.2); c.254C>A, p.Pro85His (NM_001317186.2); c.2219C>A (LRG_301t1); short protein forms P740H, P224H, P85H, P679H.
Identifiers: ClinVar variation 182403 (VCV000182403.26), dbSNP rs730881669, ClinGen allele CA299007.